The following is an entry in ClinVar:

ClinVar aggregate classification (germline): Uncertain significance (1 of 4 stars; one submission).

gnomAD v4.1: 3 of 1,614,086 alleles (0.00019%); highest among the groups gnomAD compares: South Asian, 0.0011%; no homozygotes.

Submission:

Labcorp Genetics (formerly Invitae), Labcorp
Classification: Uncertain significance. Last evaluated: 2025-12-03. Review status: criteria provided, single submitter. Criteria: Invitae Variant Classification Sherloc (09022015). Collection method: clinical testing. Allele origin: germline.
Comment: This sequence change replaces serine, which is neutral and polar, with phenylalanine, which is neutral and non-polar, at codon 316 of the FLNB protein (p.Ser316Phe). This variant is present in population databases (no rsID available, gnomAD 0.003%). This variant has not been reported in the literature in individuals affected with FLNB-related conditions. Invitae Evidence Modeling of protein sequence and biophysical properties (such as structural, functional, and spatial information, amino acid conservation, physicochemical variation, residue mobility, and thermodynamic stability) indicates that this missense variant is not expected to disrupt FLNB protein function with a negative predictive value of 95%. In summary, the available evidence is currently insufficient to determine the role of this variant in disease. Therefore, it has been classified as a Variant of Uncertain Significance.

NM_001457.4(FLNB):c.947C>T (p.Ser316Phe)

Gene: FLNB (filamin B; plus strand). Cytogenetic location: 3p14.3.
Variant type: single nucleotide variant.
Coding change: c.947C>T on transcript NM_001457.4 (MANE Select); coding-DNA position 947, C replaced by T.
Protein change: p.Ser316Phe; replaces serine 316 with phenylalanine.
Molecular consequence: missense variant.
Genome position (GRCh38, 1-based): chr3:58,096,181, C>T. VCF-style: chr3-58096181-C-T. GRCh37 (hg19) VCF-style: chr3-58081908-C-T.
Other names: c.947C>T, p.Ser316Phe (NM_001164317.2, NM_001164318.2, NM_001164319.2); short protein forms S316F.
Identifiers: ClinVar variation 4780723 (VCV004780723.1).